The following is an entry in ClinVar:

ClinVar aggregate classification (germline): Uncertain significance (1 of 4 stars; one submission).

gnomAD v4.1: 2 of 1,614,102 alleles (0.00012%); highest among the groups gnomAD compares: Non-Finnish European, 0.00017%; no homozygotes.

Submission:

Labcorp Genetics (formerly Invitae), Labcorp
Classification: Uncertain significance. Last evaluated: 2021-09-24. Review status: criteria provided, single submitter. Criteria: Invitae Variant Classification Sherloc (09022015). Collection method: clinical testing. Allele origin: germline.
Comment: This sequence change replaces glycine with serine at codon 347 of the HPS1 protein (p.Gly347Ser). The glycine residue is weakly conserved and there is a small physicochemical difference between glycine and serine. This variant is not present in population databases (ExAC no frequency). This variant has not been reported in the literature in individuals with HPS1-related conditions. Algorithms developed to predict the effect of missense changes on protein structure and function output the following: SIFT: "Tolerated"; PolyPhen-2: "Benign"; Align-GVGD: "Class C0". The serine amino acid residue is found in multiple mammalian species, suggesting that this missense change does not adversely affect protein function. These predictions have not been confirmed by published functional studies and their clinical significance is uncertain. Algorithms developed to predict the effect of sequence changes on RNA splicing suggest that this variant may create or strengthen a splice site, but this prediction has not been confirmed by published transcriptional studies. In summary, the available evidence is currently insufficient to determine the role of this variant in disease. Therefore, it has been classified as a Variant of Uncertain Significance.

NM_000195.5(HPS1):c.1039G>A (p.Gly347Ser)

Gene: HPS1 (HPS1 biogenesis of lysosomal organelles complex 3 subunit 1; minus strand). Cytogenetic location: 10q24.2.
Variant type: single nucleotide variant.
Coding change: c.1039G>A on transcript NM_000195.5 (MANE Select); coding-DNA position 1039, G replaced by A.
Protein change: p.Gly347Ser; replaces glycine 347 with serine.
Molecular consequence: missense variant.
Genome position (GRCh38, 1-based): chr10:98,425,934, C>T on the plus strand (G>A on the coding strand, the complement: HPS1 is on the minus strand). VCF-style: chr10-98425934-C-T. GRCh37 (hg19) VCF-style: chr10-100185691-C-T.
Other names: c.67G>A, p.Gly23Ser (NM_001311345.2, NM_001322487.2, NM_001322489.2); c.1039G>A, p.Gly347Ser (NM_001322476.2, NM_001322477.2); c.940G>A, p.Gly314Ser (NM_001322478.2, NM_001322479.2); c.778G>A, p.Gly260Ser (NM_001322480.2, NM_001322481.2); c.679G>A, p.Gly227Ser (NM_001322482.2); c.670G>A, p.Gly224Ser (NM_001322483.2, NM_001322484.2); c.571G>A, p.Gly191Ser (NM_001322485.2); short protein forms G191S, G227S, G347S, G224S, G23S, G260S, G314S.
Identifiers: ClinVar variation 1359786 (VCV001359786.5), dbSNP rs1240455557, ClinGen allele CA378048462.